The following is an entry in ClinVar:

ClinVar aggregate classification (germline): Pathogenic. Review status: criteria provided, multiple submitters, no conflicts (2 of 4 stars). 4 submissions from 4 submitters: Pathogenic (4). Last evaluated 2025-02-23.

Conditions:
Hypohidrotic X-linked ectodermal dysplasia (XHED). Also called: Anhidrotic ectodermal dysplasia X-linked; Christ Siemens Touraine syndrome; ECTODERMAL DYSPLASIA 1, HYPOHIDROTIC, X-LINKED; ECTODERMAL DYSPLASIA 1, HYPOHIDROTIC/HAIR/TOOTH TYPE, X-LINKED; ECTODERMAL DYSPLASIA, HYPOHIDROTIC, 1; CST SYNDROME. Identifiers: Orphanet 181, Orphanet 238468, MedGen C0162359, MONDO:0010585, OMIM 305100.
Tooth agenesis, selective, X-linked, 1 (STHAGX1). Also called: HYPODONTIA/OLIGODONTIA, X-LINKED, 1. Identifiers: Orphanet 99798, MedGen C1970757, MONDO:0010741, OMIM 313500. Disease mechanism: loss of function.

Submissions (4):

Labcorp Genetics (formerly Invitae), Labcorp
Classification: Pathogenic for Hypohidrotic X-linked ectodermal dysplasia. Last evaluated: 2025-02-23. Review status: criteria provided, single submitter. Criteria: Invitae Variant Classification Sherloc (09022015). Collection method: clinical testing. Allele origin: germline.
Comment: This sequence change affects the initiator methionine of the EDA mRNA. The next in-frame methionine is located at codon 133. This variant is not present in population databases (gnomAD no frequency). Disruption of the initiator codon has been observed in individual(s) with ectodermal dysplasia (PMID: 11378824, 18076698, 20979233, 24330993). ClinVar contains an entry for this variant (Variation ID: 44190). For these reasons, this variant has been classified as Pathogenic.

Greenwood Genetic Center Diagnostic Laboratories, Greenwood Genetic Center
Classification: Pathogenic for Hypohidrotic X-linked ectodermal dysplasia; Tooth agenesis, selective, X-linked, 1. Last evaluated: 2021-05-13. Review status: criteria provided, single submitter. Criteria: ACMG Guidelines, 2015. Collection method: clinical testing. Allele origin: germline. Affected: yes.
Comment: PVS1, PM2, PS4_Moderate

GeneDx
Classification: Pathogenic. Last evaluated: 2017-09-21. Review status: criteria provided, single submitter. Criteria: GeneDx Variant Classification (06012015). Collection method: clinical testing. Allele origin: germline. Affected: yes.
Comment: The c.2 T>C pathogenic variant in the EDA1 gene has been reported previously in association with X-linked hypohidrotic ectodermal dysplasia (Zhao et al., 2008), and has been observed in multiple individuals at GeneDx. The pathogenic variant alters the initiator Methionine codon, and the resultant protein would be described as p.Met1? using a question mark to signify that it is not known if the loss of Met1 means that all protein translation is completely prevented or if an abnormal protein is produced using an alternate Met. Additionally, the c.2 T>C variant is not observed in large population cohorts (Lek et al., 2016; 1000 Genomes Consortium et al., 2015; Exome Variant Server).

Laboratory for Molecular Medicine, Mass General Brigham Personalized Medicine
Classification: Pathogenic for Hypohidrotic X-linked ectodermal dysplasia. Last evaluated: 2011-09-20. Review status: criteria provided, single submitter. Criteria: LMM Criteria. Collection method: clinical testing. Allele origin: germline. Inheritance: X-linked inheritance. Observed: 1 variant allele.
Comment: The Met1Thr variant in EDA has been reported in at least 2 individuals with X-li nked hypohidrotic ectodermal dysplasia (XLHED). In addition, other variants dis rupting the start codon (Met) have been reported in individuals with XLHED (Met1 Lys, Met1Arg, Met1Leu; Cluzeau 2011, van der Hout 2008, Vincent 2001, Zhao 2008) . These variants are predicted to result in the loss of translation initiation and therefore, a loss of protein production. In summary, this variant is highly likely to be pathogenic.

Literature cited by the submitters: PubMed 11378824 (cited by Labcorp Genetics (formerly Invitae), Labcorp and Laboratory for Molecular Medicine, Mass General Brigham Personalized Medicine); PubMed 18076698 (cited by Labcorp Genetics (formerly Invitae), Labcorp and Laboratory for Molecular Medicine, Mass General Brigham Personalized Medicine); PubMed 20979233 (cited by Labcorp Genetics (formerly Invitae), Labcorp and Laboratory for Molecular Medicine, Mass General Brigham Personalized Medicine); PubMed 24330993 (cited by Labcorp Genetics (formerly Invitae), Labcorp); PubMed 18231121 (cited by Laboratory for Molecular Medicine, Mass General Brigham Personalized Medicine).

NM_001399.5(EDA):c.2T>C (p.Met1Thr)

Gene: EDA (ectodysplasin A; plus strand). Cytogenetic location: Xq13.1.
Variant type: single nucleotide variant.
Coding change: c.2T>C on transcript NM_001399.5 (MANE Select); coding-DNA position 2, T replaced by C.
Protein change: p.Met1Thr; changes the start codon (methionine 1).
Molecular consequence: missense variant, initiator codon variant.
Genome position (GRCh38, 1-based): chrX:69,616,310, T>C. VCF-style: chrX-69616310-T-C. GRCh37 (hg19) VCF-style: chrX-68836154-T-C.
Other names: c.2T>C, p.Met1Thr (NM_001005609.2, NM_001005610.4, NM_001005612.3 and 1 more transcripts); short protein forms M1T.
Identifiers: ClinVar variation 44190 (VCV000044190.11), dbSNP rs397516659, ClinGen allele CA261484.